The following is an entry in ClinVar:

NM_000187.4(HGD):c.880-347A>G

Gene: HGD (homogentisate 1,2-dioxygenase; minus strand). Cytogenetic location: 3q13.33.
Variant type: single nucleotide variant.
Coding change: c.880-347A>G on transcript NM_000187.4 (MANE Select); 347 bases into the intron before coding-DNA position 880, A replaced by G.
Molecular consequence: intron variant.
Genome position (GRCh38, 1-based): chr3:120,638,928, T>C on the plus strand (A>G on the coding strand, the complement: HGD is on the minus strand). VCF-style: chr3-120638928-T-C. GRCh37 (hg19) VCF-style: chr3-120357775-T-C.
Identifiers: ClinVar variation 4056625 (VCV004056625.1).

ClinVar aggregate classification (germline): Uncertain significance (1 of 4 stars; one submission).

Conditions:
Alkaptonuria (AKU). Also called: HOMOGENTISIC ACID OXIDASE DEFICIENCY; Alcaptonuria; Homogentisic acidura; Alkaptonuric ochronosis. Identifiers: Orphanet 56, MedGen C0002066, MONDO:0008753, OMIM 203500.

Submission:

Laboratorio de Genetica e Diagnostico Molecular, Hospital Israelita Albert Einstein
Classification: Uncertain significance for Alkaptonuria. Last evaluated: 2024-11-29. Review status: criteria provided, single submitter. Criteria: ACMG Guidelines, 2015. Collection method: clinical testing. Allele origin: germline. Affected: yes.
Comment: ACMG classification criteria: PM2 supporting